The following is an entry in ClinVar:

ClinVar aggregate classification (germline): Likely benign. Review status: criteria provided, multiple submitters, no conflicts (2 of 4 stars). 2 submissions from 2 submitters: Likely benign (2). Last evaluated 2024-09-10.

Conditions:
Intellectual developmental disorder, X-linked 1. Also called: MENTAL RETARDATION, X-LINKED 18; MENTAL RETARDATION, X-LINKED 78; Intellectual disability, X-linked 1; Atkin Flaitz Patil Smith syndrome. Identifiers: Orphanet 777, MedGen C2931498, MONDO:0010656, OMIM 309530.

Allele frequency attached by ClinVar (database versions not stated): gnomAD 0.00001; TOPMed 0.00002; ExAC below 0.00001; gnomAD exomes 0.00001.
gnomAD v4.1: 11 of 1,165,311 alleles (0.00094%); highest among the groups gnomAD compares: African/African-American, 0.018%; 1 homozygote.

Submissions (2):

Labcorp Genetics (formerly Invitae), Labcorp
Classification: Likely benign for Intellectual developmental disorder, X-linked 1. Last evaluated: 2024-09-10. Review status: criteria provided, single submitter. Criteria: Invitae Variant Classification Sherloc (09022015). Collection method: clinical testing. Allele origin: germline.

GeneDx
Classification: Likely benign. Last evaluated: 2017-08-03. Review status: criteria provided, single submitter. Criteria: GeneDx Variant Classification (06012015). Collection method: clinical testing. Allele origin: germline. Affected: yes.
Comment: This variant is considered likely benign or benign based on one or more of the following criteria: it is a conservative change, it occurs at a poorly conserved position in the protein, it is predicted to be benign by multiple in silico algorithms, and/or has population frequency not consistent with disease.

NM_001111125.3(IQSEC2):c.675C>T (p.Thr225=)

Gene: IQSEC2 (IQ motif and Sec7 domain ArfGEF 2; minus strand). Cytogenetic location: Xp11.22.
Variant type: single nucleotide variant.
Coding change: c.675C>T on transcript NM_001111125.3 (MANE Select); coding-DNA position 675, C replaced by T.
Protein change: p.Thr225=; no amino-acid change (threonine 225 retained).
Molecular consequence: synonymous variant.
Genome position (GRCh38, 1-based): chrX:53,320,449, G>A on the plus strand (C>T on the coding strand, the complement: IQSEC2 is on the minus strand). VCF-style: chrX-53320449-G-A. GRCh37 (hg19) VCF-style: chrX-53349647-G-A.
Identifiers: ClinVar variation 511271 (VCV000511271.10), dbSNP rs782524925, ClinGen allele CA10420207.
Genomic context (GRCh38, chrX:53,320,449, plus strand): 5'-GCCGGGGGTACAAACACACATTCCTTACTTTCTCTGGAGGGTCGTGGCCGGGCTGGTGCT[G>A]GTACTGGTGCTGTGGCCTCCGCCGGCGCCGGGACTGGAGCTCCTGGATGCGCCACGGCTC-3'
Protein context (NP_001104595.1, residues 215-235): PGAGGGHSTS[Thr225=]STSPATTLQR